The following is an entry in ClinVar:

NM_000784.4(CYP27A1):c.710C>T (p.Thr237Ile)

Gene: CYP27A1 (cytochrome P450 family 27 subfamily A member 1; plus strand). Cytogenetic location: 2q35.
Variant type: single nucleotide variant.
Coding change: c.710C>T on transcript NM_000784.4 (MANE Select); coding-DNA position 710, C replaced by T.
Protein change: p.Thr237Ile; replaces threonine 237 with isoleucine.
Molecular consequence: missense variant.
Genome position (GRCh38, 1-based): chr2:218,812,615, C>T. VCF-style: chr2-218812615-C-T. GRCh37 (hg19) VCF-style: chr2-219677338-C-T.
Other names: short protein forms T237I.
Identifiers: ClinVar variation 2014316 (VCV002014316.4), dbSNP rs1359099641, ClinGen allele CA350586408.
Genomic context (GRCh38, chr2:218,812,615, plus strand): 5'-TTTGCTACATCCTGTTCGAGAAACGCATTGGCTGCCTGCAGCGATCCATCCCCGAGGACA[C>T]CGTGACCTTCGTCAGATCCATCGGGTTAATGTTCCAGAACTCACTCTATGCCACCTTCCT-3'
Protein context (NP_000775.1, residues 227-247): GCLQRSIPED[Thr237Ile]VTFVRSIGLM

ClinVar aggregate classification (germline): Uncertain significance (1 of 4 stars; one submission).

Conditions:
Cholestanol storage disease (CTX). Also called: CTX: Cerebrotendinous xanthomatosis; Cerebrotendinous Xanthomatosis; CEREBRAL CHOLESTERINOSIS. Identifiers: Orphanet 909, MedGen C0238052, MONDO:0008948, OMIM 213700.

Submission:

Labcorp Genetics (formerly Invitae), Labcorp
Classification: Uncertain significance for Cholestanol storage disease. Last evaluated: 2022-07-06. Review status: criteria provided, single submitter. Criteria: Invitae Variant Classification Sherloc (09022015). Collection method: clinical testing. Allele origin: germline.
Comment: This sequence change replaces threonine, which is neutral and polar, with isoleucine, which is neutral and non-polar, at codon 237 of the CYP27A1 protein (p.Thr237Ile). This variant is present in population databases (no rsID available, gnomAD 0.0009%). This variant has not been reported in the literature in individuals affected with CYP27A1-related conditions. Advanced modeling of protein sequence and biophysical properties (such as structural, functional, and spatial information, amino acid conservation, physicochemical variation, residue mobility, and thermodynamic stability) performed at Invitae indicates that this missense variant is not expected to disrupt CYP27A1 protein function. In summary, the available evidence is currently insufficient to determine the role of this variant in disease. Therefore, it has been classified as a Variant of Uncertain Significance.